The following is an entry in ClinVar:

ClinVar aggregate classification (germline): Uncertain significance (1 of 4 stars; one submission).

gnomAD v4.1: 1 of 1,614,126 alleles (0.000062%); highest among the groups gnomAD compares: Non-Finnish European, 0.000085%; no homozygotes.

Submission:

Labcorp Genetics (formerly Invitae), Labcorp
Classification: Uncertain significance. Last evaluated: 2023-03-10. Review status: criteria provided, single submitter. Criteria: Invitae Variant Classification Sherloc (09022015). Collection method: clinical testing. Allele origin: germline.
Comment: In summary, the available evidence is currently insufficient to determine the role of this variant in disease. Therefore, it has been classified as a Variant of Uncertain Significance. Advanced modeling of protein sequence and biophysical properties (such as structural, functional, and spatial information, amino acid conservation, physicochemical variation, residue mobility, and thermodynamic stability) performed at Invitae indicates that this missense variant is not expected to disrupt LRP5 protein function. ClinVar contains an entry for this variant (Variation ID: 2149726). This variant has not been reported in the literature in individuals affected with LRP5-related conditions. This variant is not present in population databases (gnomAD no frequency). This sequence change replaces arginine, which is basic and polar, with cysteine, which is neutral and slightly polar, at codon 1414 of the LRP5 protein (p.Arg1414Cys).

NM_002335.4(LRP5):c.4240C>T (p.Arg1414Cys)

Gene: LRP5 (LDL receptor related protein 5; plus strand). Cytogenetic location: 11q13.2.
Variant type: single nucleotide variant.
Coding change: c.4240C>T on transcript NM_002335.4 (MANE Select); coding-DNA position 4240, C replaced by T.
Protein change: p.Arg1414Cys; replaces arginine 1414 with cysteine.
Molecular consequence: missense variant.
Genome position (GRCh38, 1-based): chr11:68,438,574, C>T. VCF-style: chr11-68438574-C-T. GRCh37 (hg19) VCF-style: chr11-68206042-C-T.
Other names: c.2497C>T, p.Arg833Cys (NM_001291902.2); short protein forms R1414C, R833C.
Identifiers: ClinVar variation 2149726 (VCV002149726.4), dbSNP rs757683069, ClinGen allele CA381615084.